The following is an entry in ClinVar:

ClinVar aggregate classification (germline): Likely benign (1 of 4 stars; one submission).

Submission:

GeneDx
Classification: Likely benign. Last evaluated: 2016-11-08. Review status: criteria provided, single submitter. Criteria: GeneDx Variant Classification (06012015). Collection method: clinical testing. Allele origin: germline. Affected: yes.
Comment: This variant is considered likely benign or benign based on one or more of the following criteria: it is a conservative change, it occurs at a poorly conserved position in the protein, it is predicted to be benign by multiple in silico algorithms, and/or has population frequency not consistent with disease.

NM_002474.3(MYH11):c.-26T>A

Gene: MYH11 (myosin heavy chain 11; minus strand). Cytogenetic location: 16p13.11.
Variant type: single nucleotide variant.
Coding change: c.-26T>A on transcript NM_002474.3 (MANE Select); 26 bases upstream of the start codon, T replaced by A.
Molecular consequence: 5 prime UTR variant.
Genome position (GRCh38, 1-based): chr16:15,856,949, A>T on the plus strand (T>A on the coding strand, the complement: MYH11 is on the minus strand). VCF-style: chr16-15856949-A-T. GRCh37 (hg19) VCF-style: chr16-15950806-A-T.
Other names: c.-26T>A (NM_001040113.2, NM_001040114.2, NM_022844.3).
Identifiers: ClinVar variation 390502 (VCV000390502.1), dbSNP rs1057523800, ClinGen allele CA16606900.